The following is an entry in ClinVar:

ClinVar aggregate classification (germline): Uncertain significance (1 of 4 stars; one submission).

gnomAD v4.1: 1 of 1,612,514 alleles (0.000062%); highest among the groups gnomAD compares: African/African-American, 0.0013%; no homozygotes.

Submission:

Labcorp Genetics (formerly Invitae), Labcorp
Classification: Uncertain significance. Last evaluated: 2025-05-01. Review status: criteria provided, single submitter. Criteria: Invitae Variant Classification Sherloc (09022015). Collection method: clinical testing. Allele origin: germline.
Comment: This sequence change replaces lysine, which is basic and polar, with glutamic acid, which is acidic and polar, at codon 808 of the AP3D1 protein (p.Lys808Glu). This variant is present in population databases (no rsID available, gnomAD 0.007%). This variant has not been reported in the literature in individuals affected with AP3D1-related conditions. An algorithm developed to predict the effect of missense changes on protein structure and function (PolyPhen-2) suggests that this variant is likely to be tolerated. In summary, the available evidence is currently insufficient to determine the role of this variant in disease. Therefore, it has been classified as a Variant of Uncertain Significance.

NM_001261826.3(AP3D1):c.2422A>G (p.Lys808Glu)

Gene: AP3D1 (adaptor related protein complex 3 subunit delta 1; minus strand). Cytogenetic location: 19p13.3.
Variant type: single nucleotide variant.
Coding change: c.2422A>G on transcript NM_001261826.3 (MANE Select); coding-DNA position 2422, A replaced by G.
Protein change: p.Lys808Glu; replaces lysine 808 with glutamic acid.
Molecular consequence: missense variant.
Genome position (GRCh38, 1-based): chr19:2,114,749, T>C on the plus strand (A>G on the coding strand, the complement: AP3D1 is on the minus strand). VCF-style: chr19-2114749-T-C. GRCh37 (hg19) VCF-style: chr19-2114748-T-C.
Other names: c.2422A>G, p.Lys808Glu (NM_001374799.1, NM_003938.8); short protein forms K808E.
Identifiers: ClinVar variation 4765055 (VCV004765055.1).